The following is an entry in ClinVar:

NM_014049.5(ACAD9):c.504del (p.Lys168fs)

Gene: ACAD9 (acyl-CoA dehydrogenase family member 9; plus strand). Cytogenetic location: 3q21.3.
Variant type: Deletion.
Coding change: c.504del on transcript NM_014049.5 (MANE Select); coding-DNA position 504, one base deleted (A; older notation c.504delA).
Protein change: p.Lys168fs; shifts the reading frame from lysine 168.
Molecular consequence: frameshift variant. On other transcripts: non-coding transcript variant (1).
Genome position (GRCh38, 1-based): chr3:128,896,486, A deleted; the last of 3 consecutive A bases (chr3:128,896,484-128,896,486); deleting any one gives the same sequence. VCF-style (leftmost placement, unchanged base first): chr3-128896483-TA-T. GRCh37 (hg19) VCF-style: chr3-128615326-TA-T.
Other names: short protein forms K168fs.
Identifiers: ClinVar variation 1455070 (VCV001455070.6), dbSNP rs2107651297, ClinGen allele CA2573136482.

ClinVar aggregate classification (germline): Pathogenic (1 of 4 stars; one submission).

Submission:

Labcorp Genetics (formerly Invitae), Labcorp
Classification: Pathogenic. Last evaluated: 2021-02-16. Review status: criteria provided, single submitter. Criteria: Invitae Variant Classification Sherloc (09022015). Collection method: clinical testing. Allele origin: germline.
Comment: This sequence change creates a premature translational stop signal (p.Lys168Asnfs*31) in the ACAD9 gene. It is expected to result in an absent or disrupted protein product. Loss-of-function variants in ACAD9 are known to be pathogenic (PMID: 25721401). This variant is not present in population databases (ExAC no frequency). This variant has not been reported in the literature in individuals with ACAD9-related conditions. For these reasons, this variant has been classified as Pathogenic.

Literature cited by the submitters: PubMed 25721401.